The following is an entry in ClinVar:

NM_021614.4(KCNN2):c.2188_2191del (p.Ile730fs)

Genes: KCNN2 (potassium calcium-activated channel subfamily N member 2; plus strand), LOC101927078 (uncharacterized LOC101927078; minus strand). Cytogenetic location: 5q22.3.
Variant type: Deletion.
Coding change: c.2188_2191del on transcript NM_021614.4 (MANE Select); coding-DNA positions 2188 to 2191, 4 bases deleted (ATTG; older notation c.2188_2191delATTG).
Protein change: p.Ile730fs; shifts the reading frame from isoleucine 730.
Molecular consequence: frameshift variant. On other transcripts: non-coding transcript variant (2).
Genome position (GRCh38, 1-based): chr5:114,495,994-114,495,997, ATTG deleted; deleting any 4 consecutive bases within chr5:114,495,991-114,495,997 gives the same sequence; the c. name uses the placement nearest the transcript's 3' end. VCF-style (leftmost placement, unchanged base first): chr5-114495990-TTTGA-T. GRCh37 (hg19) VCF-style: chr5-113831687-TTTGA-T.
Other names: c.2386_2389del, p.Ile796fs (NM_001372233.1); c.508_511del, p.Ile170fs (NM_170775.3); short protein forms I170fs, I730fs, I796fs.
Identifiers: ClinVar variation 4076874 (VCV004076874.1).
Genomic context (GRCh38, chr5:114,495,990, plus strand): 5'-AAACGAAAGGAGTGAAGACTTCGAGAAGAGGATTGTTACCCTGGAAACAAAACTAGAGAC[TTTGA>T]TTGGTAGCATCCACGCCCTCCCTGGGCTCATAAGCCAGACCATCAGGCAGCAGCAGAGAG-3'

ClinVar aggregate classification (germline): Uncertain significance (1 of 4 stars; one submission).

Submission:

GeneDx
Classification: Uncertain significance. Last evaluated: 2025-02-24. Review status: criteria provided, single submitter. Criteria: GeneDx Variant Classification Process June 2021. Collection method: clinical testing. Allele origin: germline. Affected: yes.
Comment: Frameshift variant predicted to result in abnormal protein length as the last 62 amino acid(s) are replaced with 9 different amino acid(s); Not observed at significant frequency in large population cohorts (gnomAD); Has not been previously published as pathogenic or benign to our knowledge